The following is an entry in ClinVar:

ClinVar aggregate classification (germline): Uncertain significance (1 of 4 stars; one submission).

Submission:

GeneDx
Classification: Uncertain significance. Last evaluated: 2026-03-27. Review status: criteria provided, single submitter. Criteria: GeneDx Variant Classification Process June 2021. Collection method: clinical testing. Allele origin: germline.
Comment: Not observed at significant frequency in large population cohorts (gnomAD); In silico analysis supports that this missense variant has a deleterious effect on protein structure/function; Has not been previously published as pathogenic or benign to our knowledge

NM_001161352.2(KCNMA1):c.2434A>G (p.Thr812Ala)

Genes: KCNMA1 (potassium calcium-activated channel subfamily M alpha 1; minus strand), KCNMA1-AS1 (KCNMA1 antisense RNA 1; plus strand). Cytogenetic location: 10q22.3.
Variant type: single nucleotide variant.
Coding change: c.2434A>G on transcript NM_001161352.2 (MANE Select); coding-DNA position 2434, A replaced by G.
Protein change: p.Thr812Ala; replaces threonine 812 with alanine.
Molecular consequence: missense variant.
Genome position (GRCh38, 1-based): chr10:76,953,851, T>C on the plus strand (A>G on the coding strand, the complement: KCNMA1 is on the minus strand). VCF-style: chr10-76953851-T-C. GRCh37 (hg19) VCF-style: chr10-78713609-T-C.
Other names: c.2272A>G, p.Thr758Ala (NM_001014797.3, NM_001322835.2, NM_001322837.2); c.2260A>G, p.Thr754Ala (NM_001161353.2, NM_001322832.2, NM_001410940.1 and 1 more transcripts); c.2110A>G, p.Thr704Ala (NM_001271518.2); c.2269A>G, p.Thr757Ala (NM_001271519.2, NM_001322829.2, NM_001322836.2); c.2281A>G, p.Thr761Ala (NM_001322830.2); c.1807A>G, p.Thr603Ala (NM_001322838.2); short protein forms T603A, T704A, T754A, T757A, T758A, T761A, T812A.
Identifiers: ClinVar variation 3343146 (VCV003343146.2).